The following is an entry in ClinVar:

NM_001135649.3(FOXI3):c.956T>G (p.Leu319Arg)

Gene: FOXI3 (forkhead box I3; minus strand). Cytogenetic location: 2p11.2.
Variant type: single nucleotide variant.
Coding change: c.956T>G on transcript NM_001135649.3 (MANE Select); coding-DNA position 956, T replaced by G.
Protein change: p.Leu319Arg; replaces leucine 319 with arginine.
Molecular consequence: missense variant.
Genome position (GRCh38, 1-based): chr2:88,448,514, A>C on the plus strand (T>G on the coding strand, the complement: FOXI3 is on the minus strand). VCF-style: chr2-88448514-A-C. GRCh37 (hg19) VCF-style: chr2-88748033-A-C.
Other names: short protein forms L319R.
Identifiers: ClinVar variation 3721280 (VCV003721280.2).

ClinVar aggregate classification (germline): Uncertain significance (1 of 4 stars; one submission).

Submission:

Labcorp Genetics (formerly Invitae), Labcorp
Classification: Uncertain significance. Last evaluated: 2024-09-21. Review status: criteria provided, single submitter. Criteria: Invitae Variant Classification Sherloc (09022015). Collection method: clinical testing. Allele origin: germline.
Comment: This sequence change replaces leucine, which is neutral and non-polar, with arginine, which is basic and polar, at codon 319 of the FOXI3 protein (p.Leu319Arg). This variant is not present in population databases (gnomAD no frequency). This variant has not been reported in the literature in individuals affected with FOXI3-related conditions. Experimental studies and prediction algorithms are not available or were not evaluated, and the functional significance of this variant is currently unknown. In summary, the available evidence is currently insufficient to determine the role of this variant in disease. Therefore, it has been classified as a Variant of Uncertain Significance.